The following is an entry in ClinVar:

ClinVar aggregate classification (germline): Pathogenic (1 of 4 stars; one submission).

Conditions:
Hypertrophic cardiomyopathy. Also called: HYPERTROPHIC MYOCARDIOPATHY. Identifiers: Orphanet 217569, MedGen C0007194, MeSH D002312, MONDO:0005045, HP:0001639.

Submission:

Labcorp Genetics (formerly Invitae), Labcorp
Classification: Pathogenic for Hypertrophic cardiomyopathy. Last evaluated: 2022-10-17. Review status: criteria provided, single submitter. Criteria: Invitae Variant Classification Sherloc (09022015). Collection method: clinical testing. Allele origin: germline.
Comment: For these reasons, this variant has been classified as Pathogenic. ClinVar contains an entry for this variant (Variation ID: 1073146). This variant has not been reported in the literature in individuals affected with MYBPC3-related conditions. This variant is not present in population databases (gnomAD no frequency). This sequence change creates a premature translational stop signal (p.Gln1142*) in the MYBPC3 gene. It is expected to result in an absent or disrupted protein product. Loss-of-function variants in MYBPC3 are known to be pathogenic (PMID: 19574547).

Literature cited by the submitters: PubMed 19574547.

NM_000256.3(MYBPC3):c.3424C>T (p.Gln1142Ter)

Gene: MYBPC3 (myosin binding protein C3; minus strand). Cytogenetic location: 11p11.2.
Variant type: single nucleotide variant.
Coding change: c.3424C>T on transcript NM_000256.3 (MANE Select); coding-DNA position 3424, C replaced by T.
Protein change: p.Gln1142Ter; replaces glutamine 1142 with a stop codon.
Molecular consequence: nonsense.
Genome position (GRCh38, 1-based): chr11:47,332,880, G>A on the plus strand (C>T on the coding strand, the complement: MYBPC3 is on the minus strand). VCF-style: chr11-47332880-G-A. GRCh37 (hg19) VCF-style: chr11-47354431-G-A.
Other names: short protein forms Q1142*.
Identifiers: ClinVar variation 1073146 (VCV001073146.7), dbSNP rs2142850286, ClinGen allele CA380313392.